The following is an entry in ClinVar:

NM_032237.5(POMK):c.352G>T (p.Asp118Tyr)

Gene: POMK (protein O-mannose kinase; plus strand). Cytogenetic location: 8p11.21.
Variant type: single nucleotide variant.
Coding change: c.352G>T on transcript NM_032237.5 (MANE Select); coding-DNA position 352, G replaced by T.
Protein change: p.Asp118Tyr; replaces aspartic acid 118 with tyrosine.
Molecular consequence: missense variant.
Genome position (GRCh38, 1-based): chr8:43,122,176, G>T. VCF-style: chr8-43122176-G-T. GRCh37 (hg19) VCF-style: chr8-42977319-G-T.
Other names: c.352G>T, p.Asp118Tyr (NM_001277971.2); short protein forms D118Y.
Identifiers: ClinVar variation 1805415 (VCV001805415.1), dbSNP rs1325549888, ClinGen allele CA371121235.

ClinVar aggregate classification (germline): Uncertain significance (1 of 4 stars; one submission).

Conditions:
Muscular dystrophy-dystroglycanopathy (congenital with brain and eye anomalies), type a, 12 (MDDGA12). Also called: WALKER-WARBURG SYNDROME OR MUSCLE-EYE-BRAIN DISEASE, POMK-RELATED. Identifiers: Orphanet 899, MedGen C3808964, MONDO:0014101, OMIM 615249.

Submission:

Victorian Clinical Genetics Services, Murdoch Childrens Research Institute
Classification: Uncertain significance for Muscular dystrophy-dystroglycanopathy (congenital with brain and eye anomalies), type a, 12. Last evaluated: 2022-03-31. Review status: criteria provided, single submitter. Criteria: ACMG Guidelines, 2015. Collection method: clinical testing. Allele origin: germline. Inheritance: Autosomal recessive inheritance.
Comment: Based on the classification scheme VCGS_Germline_v1.3.4, this variant is classified as 3A-VUS. Following criteria are met: 0102 - Loss of function is a known mechanism of disease in this gene and is associated with muscular dystrophy-dystroglycanopathy (congenital with brain and eye anomalies), type A, 12 (MIM#615249). (I) 0106 - This gene is associated with autosomal recessive disease. (I) 0115 - Variants in this gene are known to have variable expressivity. There is a broad and variable spectrum of clinical phenotypes and severity reported (PMID: 32907597). (I) 0200 - Variant is predicted to result in a missense amino acid change from aspartic acid to tyrosine. (I) 0252 - This variant is homozygous. (I) 0301 - Variant is absent from gnomAD (both v2 and v3). (SP) 0309 - An alternative amino acid change at the same position has been observed in gnomAD (v2) (1 heterozygote, 0 homozygotes). (I) 0501 - Missense variant consistently predicted to be damaging by multiple in silico tools or highly conserved with a major amino acid change. (SP) 0601 - Variant is located in the well-established functional protein kinase catalytic domain. In vitro studies on this residue have shown reduced kinase activity (NCBI domain, PMID: 27879205). (SP) 0705 - No comparable missense variants have previous evidence for pathogenicity. (I) 0807 - This variant has no previous evidence of pathogenicity. (I) 0905 - No published segregation evidence has been identified for this variant. (I) 1007 - No published functional evidence has been identified for this variant. (I) 1208 - Inheritance information for this variant is not currently available in this individual. (I) Legend: (SP) - Supporting pathogenic, (I) - Information, (SB) - Supporting benign

Literature cited by the submitters: PubMed 27879205; PubMed 32907597.